The following is an entry in ClinVar:

NM_002796.3(PSMB4):c.93C>G (p.Phe31Leu)

Gene: PSMB4 (proteasome 20S subunit beta 4; plus strand). Cytogenetic location: 1q21.3.
Variant type: single nucleotide variant.
Coding change: c.93C>G on transcript NM_002796.3 (MANE Select); coding-DNA position 93, C replaced by G.
Protein change: p.Phe31Leu; replaces phenylalanine 31 with leucine.
Molecular consequence: missense variant.
Genome position (GRCh38, 1-based): chr1:151,399,680, C>G. VCF-style: chr1-151399680-C-G. GRCh37 (hg19) VCF-style: chr1-151372156-C-G.
Other names: c.93C>G (NM_002796.2); short protein forms F31L.
Identifiers: ClinVar variation 2414804 (VCV002414804.7), dbSNP rs780283759, ClinGen allele CA1090568.

ClinVar aggregate classification (germline): Conflicting classifications of pathogenicity. Review status: criteria provided, conflicting classifications (1 of 4 stars). 2 submissions from 2 submitters: Uncertain significance (1); Likely benign (1). Last evaluated 2025-08-03.

Allele frequency attached by ClinVar (database versions not stated): TOPMed below 0.00001; ExAC 0.00001; gnomAD 0.00001; gnomAD exomes 0.00001.

Submissions (2):

Ambry Genetics
Classification: Likely benign. Last evaluated: 2025-08-03. Review status: criteria provided, single submitter. Criteria: Ambry Variant Classification Scheme 2023. Collection method: clinical testing. Allele origin: germline.

Labcorp Genetics (formerly Invitae), Labcorp
Classification: Uncertain significance. Last evaluated: 2022-05-08. Review status: criteria provided, single submitter. Criteria: Invitae Variant Classification Sherloc (09022015). Collection method: clinical testing. Allele origin: germline.
Comment: Algorithms developed to predict the effect of missense changes on protein structure and function output the following: SIFT: "Tolerated"; PolyPhen-2: "Benign"; Align-GVGD: "Class C0". The leucine amino acid residue is found in multiple mammalian species, which suggests that this missense change does not adversely affect protein function. This variant has not been reported in the literature in individuals affected with PSMB4-related conditions. This variant is not present in population databases (gnomAD no frequency). This sequence change replaces phenylalanine, which is neutral and non-polar, with leucine, which is neutral and non-polar, at codon 31 of the PSMB4 protein (p.Phe31Leu). In summary, the available evidence is currently insufficient to determine the role of this variant in disease. Therefore, it has been classified as a Variant of Uncertain Significance.